The following is an entry in ClinVar:

ClinVar aggregate classification (germline): Uncertain significance (1 of 4 stars; one submission).

Conditions:
SEMA3D-related disorder. Also called: SEMA3D-related condition.

gnomAD v4.1: 1 of 1,612,514 alleles (0.000062%); no homozygotes.

Submission:

PreventionGenetics, part of Exact Sciences
Classification: Uncertain significance for SEMA3D-related condition. Last evaluated: 2024-12-31. Review status: criteria provided, single submitter. Criteria: ACMG Guidelines, 2015. Collection method: clinical testing. Allele origin: germline.
Comment: The SEMA3D c.953C>T variant is predicted to result in the amino acid substitution p.Ala318Val. To our knowledge, this variant has not been reported in the literature or in a large population database (gnomAD), indicating this variant is rare. At this time, the clinical significance of this variant is uncertain due to the absence of conclusive functional and genetic evidence.

NM_001384900.1(SEMA3D):c.953C>T (p.Ala318Val)

Gene: SEMA3D (semaphorin 3D; minus strand). Cytogenetic location: 7q21.11.
Variant type: single nucleotide variant.
Coding change: c.953C>T on transcript NM_001384900.1 (MANE Select); coding-DNA position 953, C replaced by T.
Protein change: p.Ala318Val; replaces alanine 318 with valine.
Molecular consequence: missense variant.
Genome position (GRCh38, 1-based): chr7:85,042,194, G>A on the plus strand (C>T on the coding strand, the complement: SEMA3D is on the minus strand). VCF-style: chr7-85042194-G-A. GRCh37 (hg19) VCF-style: chr7-84671510-G-A.
Other names: c.953C>T, p.Ala318Val (NM_001384901.1, NM_001384902.1, NM_001384903.1 and 1 more transcripts); short protein forms A318V.
Identifiers: ClinVar variation 5000270 (VCV005000270.1).